The following is an entry in ClinVar:

ClinVar aggregate classification (germline): Likely benign. Review status: criteria provided, multiple submitters, no conflicts (2 of 4 stars). 3 submissions from 3 submitters: Likely benign (3). Last evaluated 2023-04-22.

Conditions:
Early-infantile DEE. Also called: Early infantile epileptic encephalopathy; Ohtahara syndrome; Early infantile epileptic encephalopathy with suppression bursts. Identifiers: Orphanet 1934, MedGen C0393706, MONDO:0800491.
Inborn genetic diseases. Identifiers: MedGen C0950123, MeSH D030342.

Allele frequency attached by ClinVar (database versions not stated): gnomAD exomes below 0.00001; TOPMed below 0.00001; gnomAD 0.00001.
gnomAD v4.1: 2 of 1,614,080 alleles (0.00012%); highest among the groups gnomAD compares: Non-Finnish European, 0.00017%; no homozygotes.

Submissions (3):

Labcorp Genetics (formerly Invitae), Labcorp
Classification: Likely benign for Early-infantile DEE. Last evaluated: 2023-04-22. Review status: criteria provided, single submitter. Criteria: Invitae Variant Classification Sherloc (09022015). Collection method: clinical testing. Allele origin: germline.

Ambry Genetics
Classification: Likely benign for Inborn genetic diseases. Last evaluated: 2018-08-24. Review status: criteria provided, single submitter. Criteria: Ambry Variant Classification Scheme 2023. Collection method: clinical testing. Allele origin: germline.

GeneDx
Classification: Likely benign. Last evaluated: 2017-03-21. Review status: criteria provided, single submitter. Criteria: GeneDx Variant Classification (06012015). Collection method: clinical testing. Allele origin: germline. Affected: yes.
Comment: This variant is considered likely benign or benign based on one or more of the following criteria: it is a conservative change, it occurs at a poorly conserved position in the protein, it is predicted to be benign by multiple in silico algorithms, and/or has population frequency not consistent with disease.

NM_001165963.4(SCN1A):c.18T>G (p.Leu6=)

Gene: SCN1A (sodium voltage-gated channel alpha subunit 1; minus strand). Cytogenetic location: 2q24.3.
Variant type: single nucleotide variant.
Coding change: c.18T>G on transcript NM_001165963.4 (MANE Select); coding-DNA position 18, T replaced by G.
Protein change: p.Leu6=; no amino-acid change (leucine 6 retained).
Molecular consequence: synonymous variant. On other transcripts: 5 prime UTR variant (1), non-coding transcript variant (1).
Genome position (GRCh38, 1-based): chr2:166,073,604, A>C on the plus strand (T>G on the coding strand, the complement: SCN1A is on the minus strand). VCF-style: chr2-166073604-A-C. GRCh37 (hg19) VCF-style: chr2-166930114-A-C.
Other names: c.18T>G, p.Leu6= (NM_001165964.3, NM_001202435.3, NM_001353948.2 and 10 more transcripts); c.-2408T>G (NM_001353961.2).
Identifiers: ClinVar variation 461245 (VCV000461245.11), dbSNP rs1553561004, ClinGen allele CA429990849.